The following is an entry in ClinVar:

NM_201596.3(CACNB2):c.1831G>C (p.Asp611His)

Gene: CACNB2 (calcium voltage-gated channel auxiliary subunit beta 2; plus strand). Cytogenetic location: 10p12.31.
Variant type: single nucleotide variant.
Coding change: c.1831G>C on transcript NM_201596.3 (MANE Select); coding-DNA position 1831, G replaced by C.
Protein change: p.Asp611His; replaces aspartic acid 611 with histidine.
Molecular consequence: missense variant.
Genome position (GRCh38, 1-based): chr10:18,539,572, G>C. VCF-style: chr10-18539572-G-C. GRCh37 (hg19) VCF-style: chr10-18828501-G-C.
Other names: c.1666G>C, p.Asp556His (NM_000724.4); c.1633G>C, p.Asp545His (NM_001167945.2); c.1552G>C, p.Asp518His (NM_001330060.2); c.1573G>C, p.Asp525His (NM_001410882.1); c.1687G>C, p.Asp563His (NM_201570.3); c.1747G>C, p.Asp583His (NM_201571.4); c.1675G>C, p.Asp559His (NM_201572.4); c.1669G>C, p.Asp557His (NM_201590.3); and 2 more; short protein forms D587H, D525H, D557H, D559H, D563H, D518H, D545H, D556H.
Identifiers: ClinVar variation 4218008 (VCV004218008.1).

ClinVar aggregate classification (germline): Uncertain significance (1 of 4 stars; one submission).

Conditions:
Cardiovascular phenotype. Identifiers: MedGen CN230736.

gnomAD v4.1: 1 of 1,613,830 alleles (0.000062%); highest among the groups gnomAD compares: Non-Finnish European, 0.000085%; no homozygotes.

Submission:

Ambry Genetics
Classification: Uncertain significance for Cardiovascular phenotype. Last evaluated: 2025-07-09. Review status: criteria provided, single submitter. Criteria: Ambry Variant Classification Scheme 2023. Collection method: clinical testing. Allele origin: germline.
Comment: The p.D557H variant (also known as c.1669G>C), located in coding exon 13 of the CACNB2 gene, results from a G to C substitution at nucleotide position 1669. The aspartic acid at codon 557 is replaced by histidine, an amino acid with similar properties. This amino acid position is conserved. In addition, this alteration is predicted to be tolerated by in silico analysis. Based on the available evidence, the clinical significance of this variant remains unclear.